The following is an entry in ClinVar:

ClinVar aggregate classification (germline): Uncertain significance (1 of 4 stars; one submission).

Conditions:
COL6A3-related disorder. Also called: COL6A3-related disorders; COL6A3-related condition.

Submission:

PreventionGenetics, part of Exact Sciences
Classification: Uncertain significance for COL6A3-related condition. Last evaluated: 2024-12-21. Review status: criteria provided, single submitter. Criteria: ACMG Guidelines, 2015. Collection method: clinical testing. Allele origin: germline.
Comment: The COL6A3 c.4658A>G variant is predicted to result in the amino acid substitution p.Gln1553Arg. To our knowledge, this variant has not been reported in the literature or in a large population database (gnomAD), indicating this variant is rare. At this time, the clinical significance of this variant is uncertain due to the absence of conclusive functional and genetic evidence.

NM_004369.4(COL6A3):c.4658A>G (p.Gln1553Arg)

Gene: COL6A3 (collagen type VI alpha 3 chain; minus strand). Cytogenetic location: 2q37.3.
Variant type: single nucleotide variant.
Coding change: c.4658A>G on transcript NM_004369.4 (MANE Select); coding-DNA position 4658, A replaced by G.
Protein change: p.Gln1553Arg; replaces glutamine 1553 with arginine.
Molecular consequence: missense variant.
Genome position (GRCh38, 1-based): chr2:237,368,805, T>C on the plus strand (A>G on the coding strand, the complement: COL6A3 is on the minus strand). VCF-style: chr2-237368805-T-C. GRCh37 (hg19) VCF-style: chr2-238277448-T-C.
Other names: c.2837A>G, p.Gln946Arg (NM_057166.5); c.4040A>G, p.Gln1347Arg (NM_057167.4); short protein forms Q946R, Q1347R, Q1553R.
Identifiers: ClinVar variation 4998526 (VCV004998526.1).